The following is an entry in ClinVar:

ClinVar aggregate classification (germline): Uncertain significance. Review status: criteria provided, multiple submitters, no conflicts (2 of 4 stars). 2 submissions from 2 submitters: Uncertain significance (2). Last evaluated 2025-10-28.

Conditions:
Hereditary cancer-predisposing syndrome. Also called: Hereditary neoplastic syndrome; Neoplastic Syndromes, Hereditary; Tumor predisposition; Hereditary Cancer Syndrome. Identifiers: Orphanet 140162, MedGen C0027672, MeSH D009386, MONDO:0015356.
BAP1-related tumor predisposition syndrome (TPDS1). Also called: Tumor susceptibility linked to germline BAP1 mutations; COMMON Syndrome; TUMOR PREDISPOSITION SYNDROME 1; BAP1 tumor predisposition syndrome. Identifiers: Orphanet 289539, MedGen C3280492, MONDO:0013692, OMIM 614327.

Submissions (2):

Ambry Genetics
Classification: Uncertain significance for Hereditary cancer-predisposing syndrome. Last evaluated: 2025-10-28. Review status: criteria provided, single submitter. Criteria: Ambry Variant Classification Scheme 2023. Collection method: clinical testing. Allele origin: germline.
Comment: The p.L377M variant (also known as c.1129C>A), located in coding exon 12 of the BAP1 gene, results from a C to A substitution at nucleotide position 1129. The leucine at codon 377 is replaced by methionine, an amino acid with highly similar properties. This amino acid position is conserved. In addition, this alteration is predicted to be tolerated by in silico analysis. Based on the available evidence, the clinical significance of this variant remains unclear.

Labcorp Genetics (formerly Invitae), Labcorp
Classification: Uncertain significance for BAP1-related tumor predisposition syndrome. Last evaluated: 2023-07-12. Review status: criteria provided, single submitter. Criteria: Invitae Variant Classification Sherloc (09022015). Collection method: clinical testing. Allele origin: germline.
Comment: In summary, the available evidence is currently insufficient to determine the role of this variant in disease. Therefore, it has been classified as a Variant of Uncertain Significance. Advanced modeling of protein sequence and biophysical properties (such as structural, functional, and spatial information, amino acid conservation, physicochemical variation, residue mobility, and thermodynamic stability) performed at Invitae indicates that this missense variant is not expected to disrupt BAP1 protein function. This variant has not been reported in the literature in individuals affected with BAP1-related conditions. This variant is not present in population databases (gnomAD no frequency). This sequence change replaces leucine, which is neutral and non-polar, with methionine, which is neutral and non-polar, at codon 377 of the BAP1 protein (p.Leu377Met).

NM_004656.4(BAP1):c.1129C>A (p.Leu377Met)

Gene: BAP1 (BRCA1 associated deubiquitinase 1; minus strand). Cytogenetic location: 3p21.1.
Variant type: single nucleotide variant.
Coding change: c.1129C>A on transcript NM_004656.4 (MANE Select); coding-DNA position 1129, C replaced by A.
Protein change: p.Leu377Met; replaces leucine 377 with methionine.
Molecular consequence: missense variant.
Genome position (GRCh38, 1-based): chr3:52,404,574, G>T on the plus strand (C>A on the coding strand, the complement: BAP1 is on the minus strand). VCF-style: chr3-52404574-G-T. GRCh37 (hg19) VCF-style: chr3-52438590-G-T.
Other names: c.1075C>A, p.Leu359Met (NM_001410772.1); short protein forms L359M, L377M.
Identifiers: ClinVar variation 2790489 (VCV002790489.4), dbSNP rs376033003, ClinGen allele CA353103433.
Genomic context (GRCh38, chr3:52,404,574, plus strand): 5'-CATCTGAGTACTGCTGGGGTGGGCGGACTGGAACTCGGCTGCGGCCCACACCTGCCGCCA[G>T]GTCTTCTTCCTCCTGGGACAAAGACCAGGGCAGTTACAAACAAGTGCTGCTCGGCCCAGG-3'
Protein context (NP_004647.1, residues 367-387): AKSPMQEEED[Leu377Met]AAGVGRSRVP